The following is an entry in ClinVar:

NM_004974.4(KCNA2):c.*9294C>T

Gene: KCNA2 (potassium voltage-gated channel subfamily A member 2; minus strand). Cytogenetic location: 1p13.3.
Variant type: single nucleotide variant.
Coding change: c.*9294C>T on transcript NM_004974.4 (MANE Select); 9294 bases downstream of the stop codon, C replaced by T.
Molecular consequence: 3 prime UTR variant. On other transcripts: intron variant (1).
Genome position (GRCh38, 1-based): chr1:110,593,989, G>A on the plus strand (C>T on the coding strand, the complement: KCNA2 is on the minus strand). VCF-style: chr1-110593989-G-A. GRCh37 (hg19) VCF-style: chr1-111136611-G-A.
Other names: c.1036-61C>T (NM_001204269.2).
Identifiers: ClinVar variation 1257086 (VCV001257086.5), dbSNP rs17026168, ClinGen allele CA28802488.
Genomic context (GRCh38, chr1:110,593,989, plus strand): 5'-CTAAATTTTCAAGAAGCAAACAAATAGTTAAATGACTCCCAACTCCCATGAGTCTTCCCC[G>A]CAAGTCCTGCTCCGCCTTCAGCTCTCATTGGTCCCCAGCCTCTTATCACCATGGAGACCC-3'

ClinVar aggregate classification (germline): Benign. Review status: criteria provided, multiple submitters, no conflicts (2 of 4 stars). 3 submissions from 3 submitters: Benign (3). Last evaluated 2024-07-15.

Allele frequency attached by ClinVar (database versions not stated): gnomAD exomes 0.08613; gnomAD 0.08668 and 0.09534; TOPMed 0.09940; 1000 Genomes Project 30x 0.18707; 1000 Genomes Project 0.19349.
gnomAD v4.1: 135,441 of 1,545,932 alleles (8.8%); highest among the groups gnomAD compares: East Asian, 51%; 11,449 homozygotes.

Submissions (3):

Unidad de Genómica Garrahan, Hospital de Pediatría Garrahan
Classification: Benign. Last evaluated: 2024-07-15. Review status: criteria provided, single submitter. Criteria: ACMG Guidelines, 2015. Collection method: clinical testing. Allele origin: germline. Affected: no. Observed: 32 variant alleles.
Comment: This variant is classified as Benign based on local population frequency. This variant was detected in 34% of patients studied in a panel designed for Epileptic and Developmental Encephalopathy and Progressive Myoclonus Epilepsy. Number of patients: 32. Only high quality variants are reported.

GeneDx
Classification: Benign. Last evaluated: 2018-07-15. Review status: criteria provided, single submitter. Criteria: GeneDx Variant Classification Process June 2021. Collection method: clinical testing. Allele origin: germline. Affected: yes.

Breakthrough Genomics
Classification: Benign. Review status: criteria provided, single submitter. Criteria: ACMG Guidelines, 2015. Collection method: not provided. Allele origin: germline. Inheritance: Autosomal dominant inheritance. Affected: yes.